The following is an entry in ClinVar:

NM_177438.3(DICER1):c.3092_3093+1delinsTGT

Gene: DICER1 (dicer 1, ribonuclease III; minus strand). Cytogenetic location: 14q32.13.
Variant type: Indel.
Coding change: c.3092_3093+1delinsTGT on transcript NM_177438.3 (MANE Select); coding-DNA position 3092 through the canonical splice donor site of the intron after coding-DNA position 3093, AGG replaced by TGT.
Molecular consequence: splice donor variant.
Genome position (GRCh38, 1-based): chr14:95,105,677-95,105,679, CCT replaced by ACA on the plus strand (AGG replaced by TGT on the coding strand, the reverse complement: DICER1 is on the minus strand). VCF-style: chr14-95105677-CCT-ACA. GRCh37 (hg19) VCF-style: chr14-95572014-CCT-ACA.
Other names: c.3092_3093+1delinsTGT (NM_001291628.2, NM_030621.4, NM_001395677.1 and 12 more transcripts); c.2687_2688+1delinsTGT (NM_001395690.1, NM_001395687.1, NM_001395689.1 and 2 more transcripts); c.2810_2811+1delinsTGT (NM_001395686.1); c.2525_2526+1delinsTGT (NM_001395691.1); c.1409_1410+1delinsTGT (NM_001395697.1).
Identifiers: ClinVar variation 3229357 (VCV003229357.1), dbSNP rs2542772237, ClinGen allele CA2825002253.

ClinVar aggregate classification (germline): Likely pathogenic (1 of 4 stars; one submission).

Conditions:
Hereditary cancer-predisposing syndrome. Also called: Neoplastic Syndromes, Hereditary; Tumor predisposition; Hereditary neoplastic syndrome; Hereditary Cancer Syndrome. Identifiers: Orphanet 140162, MedGen C0027672, MeSH D009386, MONDO:0015356.

Submission:

Ambry Genetics
Classification: Likely pathogenic for Hereditary cancer-predisposing syndrome. Last evaluated: 2023-11-10. Review status: criteria provided, single submitter. Criteria: Ambry Variant Classification Scheme 2023. Collection method: clinical testing. Allele origin: germline.
Comment: The c.3092_3093+1delAGGinsTGT variant results from a deletion of three nucleotides and insertion of three nucleotides at positions c.3092 to c.3093+1 and involves the canonical splice donor site after coding exon 18 of the DICER1 gene. The canonical splice donor site is highly conserved in available vertebrate species. In silico splice site analysis predicts that this alteration will weaken the native splice donor site; however, direct evidence is insufficient at this time (Ambry internal data). Alterations that disrupt the canonical splice site are expected to cause aberrant splicing, resulting in an abnormal protein or a transcript that is subject to nonsense-mediated mRNA decay. As such, this alteration is classified as likely pathogenic.